The following is an entry in ClinVar:

NM_000944.5(PPP3CA):c.424A>G (p.Lys142Glu)

Gene: PPP3CA (protein phosphatase 3 catalytic subunit alpha; minus strand). Cytogenetic location: 4q24.
Variant type: single nucleotide variant.
Coding change: c.424A>G on transcript NM_000944.5 (MANE Select); coding-DNA position 424, A replaced by G.
Protein change: p.Lys142Glu; replaces lysine 142 with glutamic acid.
Molecular consequence: missense variant.
Genome position (GRCh38, 1-based): chr4:101,099,683, T>C on the plus strand (A>G on the coding strand, the complement: PPP3CA is on the minus strand). VCF-style: chr4-101099683-T-C. GRCh37 (hg19) VCF-style: chr4-102020840-T-C.
Other names: c.424A>G (NM_000944.4); c.424A>G, p.Lys142Glu (NM_001130691.2, NM_001130692.2); short protein forms K142E.
Identifiers: ClinVar variation 2907807 (VCV002907807.4), dbSNP rs1730355519, ClinGen allele CA357950296.

ClinVar aggregate classification (germline): Uncertain significance. Review status: criteria provided, multiple submitters, no conflicts (2 of 4 stars). 2 submissions from 2 submitters: Uncertain significance (2). Last evaluated 2025-03-05.

Conditions:
Inborn genetic diseases. Identifiers: MedGen C0950123, MeSH D030342.

Submissions (2):

Ambry Genetics
Classification: Uncertain significance for Inborn genetic diseases. Last evaluated: 2025-03-05. Review status: criteria provided, single submitter. Criteria: Ambry Variant Classification Scheme 2023. Collection method: clinical testing. Allele origin: germline.

Labcorp Genetics (formerly Invitae), Labcorp
Classification: Uncertain significance. Last evaluated: 2023-10-09. Review status: criteria provided, single submitter. Criteria: Invitae Variant Classification Sherloc (09022015). Collection method: clinical testing. Allele origin: germline.
Comment: This sequence change replaces lysine, which is basic and polar, with glutamic acid, which is acidic and polar, at codon 142 of the PPP3CA protein (p.Lys142Glu). This variant is not present in population databases (gnomAD no frequency). This variant has not been reported in the literature in individuals affected with PPP3CA-related conditions. Advanced modeling of protein sequence and biophysical properties (such as structural, functional, and spatial information, amino acid conservation, physicochemical variation, residue mobility, and thermodynamic stability) performed at Invitae indicates that this missense variant is not expected to disrupt PPP3CA protein function. In summary, the available evidence is currently insufficient to determine the role of this variant in disease. Therefore, it has been classified as a Variant of Uncertain Significance.